The following is an entry in ClinVar:

ClinVar aggregate classification (germline): Pathogenic. Review status: criteria provided, single submitter (1 of 4 stars). 2 submissions from 2 submitters: Pathogenic (1). 1 of the submissions does not count toward it.

Conditions:
Spermatogenic failure 18. Identifiers: MedGen C4539783, MONDO:0054615, OMIM 617576.
Ciliary dyskinesia, primary, 37 (CILD37). Also called: CILIARY DYSKINESIA, PRIMARY, 37, WITH OR WITHOUT SITUS INVERSUS. Identifiers: MedGen C4539798, MONDO:0033204, OMIM 617577.

Submissions (2):

Juno Genomics, Hangzhou Juno Genomics, Inc
Classification: Pathogenic for Spermatogenic failure 18; Ciliary dyskinesia, primary, 37. Review status: criteria provided, single submitter. Criteria: ACMG Guidelines, 2015. Collection method: clinical testing. Allele origin: germline.
Comment: Absent from controls (or at extremely low frequency if recessive) in Genome Aggregation Database.;Null variant in a gene where loss of function (LOF) is a known mechanism of disease.;For recessive disorders, detected in trans with a pathogenic variant.;Patient's phenotype or family history is highly specific for a disease with a single genetic etiology.

OMIM
Classification: Pathogenic for CILIARY DYSKINESIA, PRIMARY, 37. Last evaluated: 2023-06-06. Review status: no assertion criteria provided. Collection method: literature only. Allele origin: germline. Not counted in ClinVar's aggregate classification.

Literature cited by the submitters: PubMed 33577779 (cited by OMIM).

NM_015512.5(DNAH1):c.2610G>A (p.Trp870Ter)

Gene: DNAH1 (dynein axonemal heavy chain 1; plus strand). Cytogenetic location: 3p21.1.
Variant type: single nucleotide variant.
Coding change: c.2610G>A on transcript NM_015512.5 (MANE Select); coding-DNA position 2610, G replaced by A.
Protein change: p.Trp870Ter; replaces tryptophan 870 with a stop codon.
Molecular consequence: nonsense.
Genome position (GRCh38, 1-based): chr3:52,350,072, G>A. VCF-style: chr3-52350072-G-A. GRCh37 (hg19) VCF-style: chr3-52384088-G-A.
Other names: W870*.
Identifiers: ClinVar variation 2504099 (VCV002504099.3), dbSNP rs755572946, ClinGen allele CA353104152.